The following is an entry in ClinVar:

NM_001743.6(CALM2):c.240A>T (p.Thr80=)

Gene: CALM2 (calmodulin 2; minus strand). Cytogenetic location: 2p21.
Variant type: single nucleotide variant.
Coding change: c.240A>T on transcript NM_001743.6 (MANE Select); coding-DNA position 240, A replaced by T.
Protein change: p.Thr80=; no amino-acid change (threonine 80 retained).
Molecular consequence: synonymous variant.
Genome position (GRCh38, 1-based): chr2:47,162,331, T>A on the plus strand (A>T on the coding strand, the complement: CALM2 is on the minus strand). VCF-style: chr2-47162331-T-A. GRCh37 (hg19) VCF-style: chr2-47389470-T-A.
Other names: p.Thr80=; c.240A>T (NM_001743.5); c.384A>T, p.Thr128= (NM_001305624.1); c.132A>T, p.Thr44= (NM_001305625.2, NM_001305626.1).
Identifiers: ClinVar variation 239038 (VCV000239038.23), dbSNP rs77653008, ClinGen allele CA1648572.
Genomic context (GRCh38, chr2:47,162,331, plus strand): 5'-CAGTCCTTGACGTACCTTATCAAACACACGGAATGCTTCTCTAATTTCTTCTTCACTGTC[T>A]GTGTCTTTCATTTTTCTTGCCATCATTGTCAGAAATTCAGGGAAGTCAATTGTGCCATTA-3'
Protein context (NP_001734.1, residues 70-90): LTMMARKMKD[Thr80=]DSEEEIREAF

ClinVar aggregate classification (germline): Benign/Likely benign. Review status: criteria provided, multiple submitters, no conflicts (2 of 4 stars). 11 submissions from 11 submitters: Benign (8); Likely benign (3). Last evaluated 2026-09-01.

Conditions:
CALM2-related disorder. Also called: CALM2-related condition.
Long QT syndrome 15 (LQT15). Identifiers: Orphanet 101016, Orphanet 768, MedGen C4015695, MONDO:0014550, OMIM 616249.
Cardiovascular phenotype. Identifiers: MedGen CN230736.
Long QT syndrome 1 (LQT1). Identifiers: Orphanet 101016, Orphanet 768, MedGen C4551647, MONDO:0100316, OMIM 192500, MONDO:0008646.

Allele frequency attached by ClinVar (database versions not stated): TOPMed 0.00505; ESP Exome Variant Server 0.00554; 1000 Genomes Project 0.00619; 1000 Genomes Project 30x 0.00703; gnomAD exomes 0.00035 and 0.00109; ExAC 0.00146; gnomAD 0.00435 and 0.00461.
gnomAD v4.1: 1,199 of 1,612,768 alleles (0.074%); highest among the groups gnomAD compares: African/African-American, 1.4%; 8 homozygotes.

Submissions (11):

CeGaT Center for Human Genetics Tuebingen
Classification: Likely benign. Last evaluated: 2026-09-01. Review status: criteria provided, single submitter. Criteria: CeGaT Center For Human Genetics Tuebingen Variant Classification Criteria Version 2. Collection method: clinical testing. Allele origin: germline. Affected: yes. Observed: 2 variant alleles.
Comment: CALM2: BP4, BP7, BS1

PreventionGenetics, part of Exact Sciences
Classification: Benign for CALM2-related condition. Last evaluated: 2026-04-08. Review status: criteria provided, single submitter. Criteria: ACMG Guidelines, 2015. Collection method: clinical testing. Allele origin: germline.
Comment: This variant is classified as benign based on ACMG/AMP sequence variant interpretation guidelines (Richards et al. 2015 PMID: 25741868, with internal and published modifications).

Labcorp Genetics (formerly Invitae), Labcorp
Classification: Benign for Long QT syndrome 1. Last evaluated: 2026-01-28. Review status: criteria provided, single submitter. Criteria: Invitae Variant Classification Sherloc (09022015). Collection method: clinical testing. Allele origin: germline.

Molecular Diagnostic Laboratory for Inherited Cardiovascular Disease, Montreal Heart Institute
Classification: Benign. Last evaluated: 2025-04-09. Review status: criteria provided, single submitter. Criteria: ACMG Guidelines, 2015. Collection method: clinical testing. Allele origin: germline. Affected: no.

ARUP Laboratories, Molecular Genetics and Genomics, ARUP Laboratories
Classification: Benign for Long QT syndrome 15. Last evaluated: 2025-04-02. Review status: criteria provided, single submitter. Criteria: ARUP Molecular Germline Variant Investigation Process 2024. Collection method: clinical testing. Allele origin: germline.

Blueprint Genetics
Classification: Likely benign. Last evaluated: 2024-11-12. Review status: criteria provided, single submitter. Criteria: ACMG Guidelines, 2015. Collection method: clinical testing. Allele origin: germline.

Women's Health and Genetics/Laboratory Corporation of America, LabCorp
Classification: Benign. Last evaluated: 2024-06-24. Review status: criteria provided, single submitter. Criteria: LabCorp Variant Classification Summary - May 2015. Collection method: clinical testing. Allele origin: germline.

Mayo Clinic Laboratories, Mayo Clinic
Classification: Likely benign. Last evaluated: 2024-03-01. Review status: criteria provided, single submitter. Criteria: ACMG Guidelines, 2015. Collection method: clinical testing. Allele origin: germline. Observed: 3 variant alleles.
Comment: BS1, BP4, BP7

Ambry Genetics
Classification: Benign for Cardiovascular phenotype. Last evaluated: 2019-02-16. Review status: criteria provided, single submitter. Criteria: Ambry Variant Classification Scheme 2023. Collection method: clinical testing. Allele origin: germline.

GeneDx
Classification: Benign. Last evaluated: 2017-07-19. Review status: criteria provided, single submitter. Criteria: GeneDx Variant Classification (06012015). Collection method: clinical testing. Allele origin: germline. Affected: yes.
Comment: This variant is considered likely benign or benign based on one or more of the following criteria: it is a conservative change, it occurs at a poorly conserved position in the protein, it is predicted to be benign by multiple in silico algorithms, and/or has population frequency not consistent with disease.

Breakthrough Genomics
Classification: Benign. Review status: criteria provided, single submitter. Criteria: ACMG Guidelines, 2015. Collection method: not provided. Allele origin: germline. Inheritance: Autosomal dominant inheritance. Affected: yes.